The following is an entry in ClinVar:

NM_000303.3(PMM2):c.96A>C (p.Leu32=)

Gene: PMM2 (phosphomannomutase 2; plus strand). Cytogenetic location: 16p13.2.
Variant type: single nucleotide variant.
Coding change: c.96A>C on transcript NM_000303.3 (MANE Select); coding-DNA position 96, A replaced by C.
Protein change: p.Leu32=; no amino-acid change (leucine 32 retained).
Molecular consequence: synonymous variant.
Genome position (GRCh38, 1-based): chr16:8,801,828, A>C. VCF-style: chr16-8801828-A-C. GRCh37 (hg19) VCF-style: chr16-8895685-A-C.
Identifiers: ClinVar variation 3036068 (VCV003036068.2), dbSNP rs772136659, ClinGen allele CA7893887.

ClinVar aggregate classification (germline): Likely benign (0 of 4 stars; one submission).

Conditions:
PMM2-related disorder. Also called: PMM2-related condition.

Allele frequency attached by ClinVar (database versions not stated): TOPMed below 0.00001; ExAC 0.00001.
gnomAD v4.1: 64 of 1,611,240 alleles (0.004%); highest among the groups gnomAD compares: Non-Finnish European, 0.0054%; no homozygotes.

Submission:

PreventionGenetics, part of Exact Sciences
Classification: Likely benign for PMM2-related condition. Last evaluated: 2022-10-27. Review status: no assertion criteria provided. Collection method: clinical testing. Allele origin: germline.
Comment: This variant is classified as likely benign based on ACMG/AMP sequence variant interpretation guidelines (Richards et al. 2015 PMID: 25741868, with internal and published modifications).